The following is an entry in ClinVar:

NM_007294.4(BRCA1):c.3255del (p.Arg1085fs)

Genes: BRCA1 (BRCA1 DNA repair associated; minus strand), LOC126862571 (BRD4-independent group 4 enhancer GRCh37_chr17:41243136-41244335; plus strand). Cytogenetic location: 17q21.31.
Variant type: Deletion.
Coding change: c.3255del on transcript NM_007294.4 (MANE Select); coding-DNA position 3255, one base deleted (A; older notation c.3255delA).
Protein change: p.Arg1085fs; shifts the reading frame from arginine 1085.
Molecular consequence: frameshift variant. On other transcripts: intron variant (137).
Genome position (GRCh38, 1-based): chr17:43,092,276, T deleted on the plus strand (A on the coding strand, the reverse complement: BRCA1 is on the minus strand). VCF-style (leftmost placement, unchanged base first): chr17-43092275-AT-A. GRCh37 (hg19) VCF-style: chr17-41244292-AT-A.
Other names: c.3042del, p.Arg1014fs (NM_001407571.1, NM_001407853.1, NM_001407894.1 and 9 more transcripts); c.3255del, p.Arg1085fs (NM_001407581.1, NM_001407582.1, NM_001407583.1 and 30 more transcripts); c.3252del, p.Arg1084fs (NM_001407587.1, NM_001407590.1, NM_001407591.1 and 22 more transcripts); c.3246del, p.Arg1082fs (NM_001407646.1, NM_001407647.1); c.3132del, p.Arg1044fs (NM_001407648.1, NM_001407664.1, NM_001407665.1 and 19 more transcripts); c.3129del, p.Arg1043fs (NM_001407649.1, NM_001407670.1, NM_001407671.1 and 11 more transcripts); c.3177del, p.Arg1059fs (NM_001407653.1, NM_001407654.1, NM_001407655.1 and 4 more transcripts); c.3174del, p.Arg1058fs (NM_001407659.1, NM_001407660.1, NM_001407661.1 and 1 more transcripts); and 41 more; short protein forms R1038fs, R1085fs, R1015fs, R1084fs, R917fs, R973fs, R997fs, R1017fs.
Identifiers: ClinVar variation 928279 (VCV000928279.7), dbSNP rs2053619372, ClinGen allele CA1139665618.

ClinVar aggregate classification (germline): Pathogenic/Likely pathogenic. Review status: criteria provided, multiple submitters, no conflicts (2 of 4 stars). 3 submissions from 3 submitters: Pathogenic (2); Likely pathogenic (1). Last evaluated 2023-12-21.

Conditions:
Hereditary cancer-predisposing syndrome. Also called: Tumor predisposition; Neoplastic Syndromes, Hereditary; Hereditary neoplastic syndrome; Hereditary Cancer Syndrome. Identifiers: Orphanet 140162, MedGen C0027672, MeSH D009386, MONDO:0015356.

Submissions (3):

Ambry Genetics
Classification: Pathogenic for Hereditary cancer-predisposing syndrome. Last evaluated: 2023-12-21. Review status: criteria provided, single submitter. Criteria: Ambry Variant Classification Scheme 2023. Collection method: clinical testing. Allele origin: germline.
Comment: The c.3255delA pathogenic mutation, located in coding exon 9 of the BRCA1 gene, results from a deletion of one nucleotide at nucleotide position 3255, causing a translational frameshift with a predicted alternate stop codon (p.R1085Sfs*2). This alteration is expected to result in loss of function by premature protein truncation or nonsense-mediated mRNA decay. As such, this alteration is interpreted as a disease-causing mutation.

Quest Diagnostics Nichols Institute San Juan Capistrano
Classification: Likely pathogenic. Last evaluated: 2023-10-12. Review status: criteria provided, single submitter. Criteria: Quest Diagnostics criteria. Collection method: clinical testing. Allele origin: unknown.
Comment: The BRCA1 c.3255del (p.Arg1085Serfs*2) variant alters the translational reading frame of the BRCA1 mRNA and is predicted to cause the premature termination of BRCA1 protein synthesis. This variant has not been reported in individuals with BRCA1-related conditions in the published literature. This variant has not been reported in large, multi-ethnic general populations (Genome Aggregation Database). Based on the available information, this variant is classified as likely pathogenic.

Color Diagnostics, LLC DBA Color Health
Classification: Pathogenic for Hereditary cancer-predisposing syndrome. Last evaluated: 2021-03-15. Review status: criteria provided, single submitter. Criteria: ACMG Guidelines, 2015. Collection method: clinical testing. Allele origin: germline.
Comment: This variant deletes 1 nucleotide in exon 10 of the BRCA1 gene, creating a frameshift and premature translation stop signal. This variant is expected to result in an absent or non-functional protein product. To our knowledge, this variant has not been reported in individuals affected with hereditary cancer in the literature. This variant has not been identified in the general population by the Genome Aggregation Database (gnomAD). Loss of BRCA1 function is a known mechanism of disease. Based on the available evidence, this variant is classified as Pathogenic.